The following continues an entry in ClinVar:

NM_000059.4(BRCA2):c.3515C>T (p.Ser1172Leu)

Gene: BRCA2. ClinVar aggregate classification (germline): Benign. Benign (1).

Submissions 18 to 36 of 36:

GeneDx
Classification: Benign. Last evaluated: 2016-12-09. Review status: criteria provided, single submitter. Criteria: GeneDx Variant Classification (06012015). Collection method: clinical testing. Allele origin: germline. Affected: yes. Not counted in ClinVar's aggregate classification.
Comment: This variant is considered likely benign or benign based on one or more of the following criteria: it is a conservative change, it occurs at a poorly conserved position in the protein, it is predicted to be benign by multiple in silico algorithms, and/or has population frequency not consistent with disease.

CHEO Genetics Diagnostic Laboratory, Children's Hospital of Eastern Ontario
Classification: Likely benign for Breast and/or ovarian cancer. Last evaluated: 2016-11-11. Review status: criteria provided, single submitter. Criteria: ACMG Guidelines, 2015. Collection method: clinical testing. Allele origin: germline. Study: Canadian Open Genetics Repository. Not counted in ClinVar's aggregate classification.

Laboratory for Molecular Medicine, Mass General Brigham Personalized Medicine
Classification: Benign. Last evaluated: 2016-03-28. Review status: criteria provided, single submitter. Criteria: LMM Criteria. Collection method: clinical testing. Allele origin: germline. Not counted in ClinVar's aggregate classification.
Comment: Variant identified in a genome or exome case(s) and assessed due to predicted null impact of the variant or pathogenic assertions in the literature or databases. Disclaimer: This variant has not undergone full assessment. The following are preliminary notes: ExAC: 1.4% (90/6610) Finnish chromosomes

Genomic Diagnostic Laboratory, Division of Genomic Diagnostics, Children's Hospital of Philadelphia
Classification: Likely benign for Hereditary Breast and Ovarian Cancer. Last evaluated: 2015-09-24. Review status: criteria provided, single submitter. Criteria: DGD Variant Analysis Guidelines. Collection method: clinical testing. Allele origin: unknown. Not counted in ClinVar's aggregate classification.

Clinical Genetics DNA and cytogenetics Diagnostics Lab, Erasmus MC, Erasmus Medical Center
Classification: Benign for Breast-ovarian cancer, familial, susceptibility to, 2. Last evaluated: 2015-09-21. Review status: criteria provided, single submitter. Criteria: ACGS Guidelines, 2013. Collection method: clinical testing. Allele origin: germline. Affected: yes. Study: VKGL Data-share Consensus. Not counted in ClinVar's aggregate classification.

Color Diagnostics, LLC DBA Color Health
Classification: Benign for Hereditary cancer-predisposing syndrome. Last evaluated: 2015-08-05. Review status: criteria provided, single submitter. Criteria: ACMG Guidelines, 2015. Collection method: clinical testing. Allele origin: germline. Not counted in ClinVar's aggregate classification.

Eurofins Ntd Llc (ga)
Classification: Benign. Last evaluated: 2015-07-29. Review status: criteria provided, single submitter. Criteria: EGL Classification Definitions 2015. Collection method: clinical testing. Allele origin: germline. Observed: 1 variant allele, 1 heterozygote. Not counted in ClinVar's aggregate classification.

Molecular Genetics Laboratory, University of Michigan
Classification: Benign for Breast-ovarian cancer, familial, susceptibility to, 2. Last evaluated: 2014-11-03. Review status: criteria provided, single submitter. Criteria: ACMG Guidelines, 2015. Collection method: clinical testing. Allele origin: germline. Affected: yes. Not counted in ClinVar's aggregate classification.

Ambry Genetics
Classification: Benign for Hereditary cancer-predisposing syndrome. Last evaluated: 2014-08-06. Review status: criteria provided, single submitter. Criteria: Ambry Variant Classification Scheme 2023. Collection method: clinical testing. Allele origin: germline. Not counted in ClinVar's aggregate classification.

BRCAlab, Lund University
Classification: Benign for Breast-ovarian cancer, familial, susceptibility to, 2. Last evaluated: 2020-03-02. Review status: no assertion criteria provided. Collection method: clinical testing. Allele origin: germline. Affected: yes. Not counted in ClinVar's aggregate classification.

PreventionGenetics, part of Exact Sciences
Classification: Benign for BRCA2-related condition. Last evaluated: 2019-04-16. Review status: no assertion criteria provided. Collection method: clinical testing. Allele origin: germline. Not counted in ClinVar's aggregate classification.
Comment: This variant is classified as benign based on ACMG/AMP sequence variant interpretation guidelines (Richards et al. 2015 PMID: 25741868, with internal and published modifications).

Counsyl
Classification: Likely benign for Breast-ovarian cancer, familial 2. Last evaluated: 2014-06-20. Review status: no assertion criteria provided. Collection method: literature only. Allele origin: unknown. Inheritance: Autosomal dominant inheritance. Not counted in ClinVar's aggregate classification.

Biesecker Lab/Clinical Genomics Section, National Institutes of Health
Classification: Uncertain significance. Last evaluated: 2012-07-13. Review status: no assertion criteria provided. Collection method: research. Allele origin: germline. Affected: no. Observed: 1 variant allele. Study: ClinSeq. Not counted in ClinVar's aggregate classification.
ClinVar note: Converted during submission from variant of unknown significance to Uncertain significance.

Sharing Clinical Reports Project (SCRP)
Classification: Benign for Breast-ovarian cancer, familial 2. Last evaluated: 2008-10-19. Review status: no assertion criteria provided. Collection method: clinical testing. Allele origin: germline. Not counted in ClinVar's aggregate classification.

Breast Cancer Information Core (BIC) (BRCA2)
Classification: Uncertain significance for Breast-ovarian cancer, familial 2. Last evaluated: 2002-05-29. Review status: no assertion criteria provided. Collection method: clinical testing. Allele origin: germline. Affected: yes. Observed: 43 variant alleles. Not counted in ClinVar's aggregate classification.

Clinical Genetics Laboratory, Department of Pathology, Netherlands Cancer Institute
Classification: Benign. Review status: no assertion criteria provided. Collection method: clinical testing. Allele origin: germline. Affected: yes. Study: VKGL Data-share Consensus. Not counted in ClinVar's aggregate classification.

Department of Pathology and Laboratory Medicine, Sinai Health System
Classification: Benign. Review status: no assertion criteria provided. Collection method: clinical testing. Allele origin: unknown. Affected: yes. Study: The Canadian Open Genetics Repository (COGR). Not counted in ClinVar's aggregate classification.

Genome Diagnostics Laboratory, University Medical Center Utrecht
Classification: Benign. Review status: no assertion criteria provided. Collection method: clinical testing. Allele origin: germline. Affected: yes. Study: VKGL Data-share Consensus. Not counted in ClinVar's aggregate classification.

Joint Genome Diagnostic Labs from Nijmegen and Maastricht, Radboudumc and MUMC+
Classification: Benign. Review status: no assertion criteria provided. Collection method: clinical testing. Allele origin: germline. Affected: yes. Study: VKGL Data-share Consensus. Not counted in ClinVar's aggregate classification.

Literature cited by the submitters: PubMed 21990134 (cited by Evidence-based Network for the Interpretation of Germline Mutant Alleles (ENIGMA) and Illumina Laboratory Services, Illumina); PubMed 24448499 (cited by Illumina Laboratory Services, Illumina); PubMed 22752604 (cited by Illumina Laboratory Services, Illumina); PubMed 22729890 (cited by Illumina Laboratory Services, Illumina and Counsyl); PubMed 24323938 (cited by Illumina Laboratory Services, Illumina); PubMed 15635067 (cited by Illumina Laboratory Services, Illumina and Counsyl); PubMed 12491487 (cited by Illumina Laboratory Services, Illumina); PubMed 19491284 (cited by Illumina Laboratory Services, Illumina and Counsyl); PubMed 22366370 (cited by Illumina Laboratory Services, Illumina); PubMed 11802209 (cited by Illumina Laboratory Services, Illumina and Counsyl); PubMed 26315209 (cited by Illumina Laboratory Services, Illumina); PubMed 26183948 (cited by Illumina Laboratory Services, Illumina); PubMed 17924331 (cited by Illumina Laboratory Services, Illumina and Counsyl); PubMed 21702907 (cited by Illumina Laboratory Services, Illumina); PubMed 18824701 (cited by Illumina Laboratory Services, Illumina and Counsyl); PubMed 21156238 (cited by Illumina Laboratory Services, Illumina); PubMed 18375895 (cited by Illumina Laboratory Services, Illumina and Counsyl).